The following is an entry in ClinVar:

ClinVar aggregate classification (germline): Benign/Likely benign. Review status: criteria provided, multiple submitters, no conflicts (2 of 4 stars). 9 submissions from 9 submitters: Benign (1); Likely benign (5). 3 of the submissions do not count toward it. Last evaluated 2025-12-17.

Conditions:
Episodic ataxia type 2 (EA2). Also called: ACETAZOLAMIDE-RESPONSIVE HEREDITARY PAROXYSMAL CEREBELLAR ATAXIA; ATAXIA, EPISODIC, WITH NYSTAGMUS; ATAXIA, FAMILIAL PAROXYSMAL; CEREBELLAR ATAXIA, PAROXYSMAL, ACETAZOLAMIDE-RESPONSIVE; CEREBELLOPATHY, HEREDITARY PAROXYSMAL; EPISODIC ATAXIA, NYSTAGMUS-ASSOCIATED. Identifiers: Orphanet 97, MedGen C1720416, MONDO:0007163, OMIM 108500.
Developmental and epileptic encephalopathy, 42 (DEE42A). Also called: Epileptic encephalopathy, early infantile, 42; DEVELOPMENTAL AND EPILEPTIC ENCEPHALOPATHY 42A; EPILEPTIC ENCEPHALOPATHY, EARLY INFANTILE, 42A. Identifiers: MedGen C4310716, MONDO:0014917, OMIM 617106.
CACNA1A-related disorder. Also called: CACNA1A-related condition.
Inborn genetic diseases. Identifiers: MedGen C0950123, MeSH D030342.

Allele frequency attached by ClinVar (database versions not stated): gnomAD 0.00008; TOPMed 0.00008; gnomAD exomes 0.00016 and 0.00020; ESP Exome Variant Server 0.00017; ExAC 0.00027.
gnomAD v4.1: 239 of 1,606,302 alleles (0.015%); highest among the groups gnomAD compares: Non-Finnish European, 0.018%; no homozygotes.

Submissions (9):

Labcorp Genetics (formerly Invitae), Labcorp
Classification: Likely benign for Developmental and epileptic encephalopathy, 42; Episodic ataxia type 2. Last evaluated: 2025-12-17. Review status: criteria provided, single submitter. Criteria: Invitae Variant Classification Sherloc (09022015). Collection method: clinical testing. Allele origin: germline.

CeGaT Center for Human Genetics Tuebingen
Classification: Likely benign. Last evaluated: 2025-09-01. Review status: criteria provided, single submitter. Criteria: CeGaT Center For Human Genetics Tuebingen Variant Classification Criteria Version 2. Collection method: clinical testing. Allele origin: germline. Affected: yes. Observed: 1 variant allele.
Comment: CACNA1A: BP4, BS1

Blueprint Genetics
Classification: Likely benign. Last evaluated: 2024-09-25. Review status: criteria provided, single submitter. Criteria: ACMG Guidelines, 2015. Collection method: clinical testing. Allele origin: germline.

Athena Diagnostics
Classification: Benign. Last evaluated: 2019-06-12. Review status: criteria provided, single submitter. Criteria: Athena Diagnostics Criteria. Collection method: clinical testing. Allele origin: germline.

GeneDx
Classification: Likely benign. Last evaluated: 2018-02-02. Review status: criteria provided, single submitter. Criteria: GeneDx Variant Classification (06012015). Collection method: clinical testing. Allele origin: germline. Affected: yes.
Comment: This variant is considered likely benign or benign based on one or more of the following criteria: it is a conservative change, it occurs at a poorly conserved position in the protein, it is predicted to be benign by multiple in silico algorithms, and/or has population frequency not consistent with disease.

Ambry Genetics
Classification: Likely benign for Inborn genetic diseases. Last evaluated: 2017-09-11. Review status: criteria provided, single submitter. Criteria: Ambry Variant Classification Scheme 2023. Collection method: clinical testing. Allele origin: germline.

PreventionGenetics, part of Exact Sciences
Classification: Likely benign for CACNA1A-related condition. Last evaluated: 2019-06-24. Review status: no assertion criteria provided. Collection method: clinical testing. Allele origin: germline. Not counted in ClinVar's aggregate classification.
Comment: This variant is classified as likely benign based on ACMG/AMP sequence variant interpretation guidelines (Richards et al. 2015 PMID: 25741868, with internal and published modifications).

Clinical Genetics DNA and cytogenetics Diagnostics Lab, Erasmus MC, Erasmus Medical Center
Classification: Likely benign. Review status: no assertion criteria provided. Collection method: clinical testing. Allele origin: germline. Affected: yes. Study: VKGL Data-share Consensus. Not counted in ClinVar's aggregate classification.

Laboratory of Diagnostic Genome Analysis, Leiden University Medical Center (LUMC)
Classification: Likely benign. Review status: no assertion criteria provided. Collection method: clinical testing. Allele origin: germline. Affected: yes. Study: VKGL Data-share Consensus. Not counted in ClinVar's aggregate classification.

NM_001127222.2(CACNA1A):c.1368C>T (p.Ser456=)

Gene: CACNA1A (calcium voltage-gated channel subunit alpha1 A; minus strand). Cytogenetic location: 19p13.13.
Variant type: single nucleotide variant.
Coding change: c.1368C>T on transcript NM_001127222.2 (MANE Select); coding-DNA position 1368, C replaced by T.
Protein change: p.Ser456=; no amino-acid change (serine 456 retained).
Molecular consequence: synonymous variant.
Genome position (GRCh38, 1-based): chr19:13,317,299, G>A on the plus strand (C>T on the coding strand, the complement: CACNA1A is on the minus strand). VCF-style: chr19-13317299-G-A. GRCh37 (hg19) VCF-style: chr19-13428113-G-A.
Other names: c.1371C>T, p.Ser457= (NM_000068.4, NM_001127221.2, NM_001174080.2 and 1 more transcripts); c.1368C>T (NM_001127222.1).
Identifiers: ClinVar variation 515238 (VCV000515238.27), dbSNP rs377458008, ClinGen allele CA9240829.